The following is an entry in ClinVar:

NM_003743.5(NCOA1):c.3060G>A (p.Thr1020=)

Gene: NCOA1 (nuclear receptor coactivator 1; plus strand). Cytogenetic location: 2p23.3.
Variant type: single nucleotide variant.
Coding change: c.3060G>A on transcript NM_003743.5 (MANE Select); coding-DNA position 3060, G replaced by A.
Protein change: p.Thr1020=; no amino-acid change (threonine 1020 retained).
Molecular consequence: synonymous variant.
Genome position (GRCh38, 1-based): chr2:24,729,674, G>A. VCF-style: chr2-24729674-G-A. GRCh37 (hg19) VCF-style: chr2-24952543-G-A.
Other names: c.3060G>A, p.Thr1020= (NM_001362950.1, NM_001362952.1, NM_001362954.1 and 3 more transcripts).
Identifiers: ClinVar variation 3051026 (VCV003051026.2), dbSNP rs200740728, ClinGen allele CA1552558.

ClinVar aggregate classification (germline): Likely benign (0 of 4 stars; one submission).

Conditions:
NCOA1-related disorder. Also called: NCOA1-related condition.

Allele frequency attached by ClinVar (database versions not stated): ESP Exome Variant Server 0.00008.
gnomAD v4.1: 88 of 1,613,996 alleles (0.0055%); highest among the groups gnomAD compares: African/African-American, 0.008%; no homozygotes.

Submission:

PreventionGenetics, part of Exact Sciences
Classification: Likely benign for NCOA1-related condition. Last evaluated: 2022-10-12. Review status: no assertion criteria provided. Collection method: clinical testing. Allele origin: germline.
Comment: This variant is classified as likely benign based on ACMG/AMP sequence variant interpretation guidelines (Richards et al. 2015 PMID: 25741868, with internal and published modifications).